The following is an entry in ClinVar:

ClinVar aggregate classification (germline): Uncertain significance (1 of 4 stars; one submission).

Conditions:
Early Myoclonic Encephalopathy. Identifiers: MedGen C0270855.

Allele frequency attached by ClinVar (database versions not stated): gnomAD 0.00001; gnomAD exomes below 0.00001; TOPMed 0.00001.
gnomAD v4.1: 4 of 1,608,984 alleles (0.00025%); highest among the groups gnomAD compares: African/African-American, 0.0054%; no homozygotes.

Submission:

Labcorp Genetics (formerly Invitae), Labcorp
Classification: Uncertain significance for Early Myoclonic Encephalopathy. Last evaluated: 2022-01-15. Review status: criteria provided, single submitter. Criteria: Invitae Variant Classification Sherloc (09022015). Collection method: clinical testing. Allele origin: germline.
Comment: In summary, the available evidence is currently insufficient to determine the role of this variant in disease. Therefore, it has been classified as a Variant of Uncertain Significance. Algorithms developed to predict the effect of missense changes on protein structure and function (SIFT, PolyPhen-2, Align-GVGD) all suggest that this variant is likely to be tolerated. ClinVar contains an entry for this variant (Variation ID: 643917). This variant has not been reported in the literature in individuals affected with JMJD1C-related conditions. This variant is present in population databases (no rsID available, gnomAD 0.01%). This sequence change replaces valine, which is neutral and non-polar, with alanine, which is neutral and non-polar, at codon 1598 of the JMJD1C protein (p.Val1598Ala).

NM_032776.3(JMJD1C):c.4793T>C (p.Val1598Ala)

Gene: JMJD1C (jumonji domain containing 1C; minus strand). Cytogenetic location: 10q21.3.
Variant type: single nucleotide variant.
Coding change: c.4793T>C on transcript NM_032776.3 (MANE Select); coding-DNA position 4793, T replaced by C.
Protein change: p.Val1598Ala; replaces valine 1598 with alanine.
Molecular consequence: missense variant. On other transcripts: non-coding transcript variant (1).
Genome position (GRCh38, 1-based): chr10:63,206,876, A>G on the plus strand (T>C on the coding strand, the complement: JMJD1C is on the minus strand). VCF-style: chr10-63206876-A-G. GRCh37 (hg19) VCF-style: chr10-64966636-A-G.
Other names: c.4247T>C, p.Val1416Ala (NM_001282948.2, NM_001318154.2); c.3929T>C, p.Val1310Ala (NM_001318153.2); c.4679T>C, p.Val1560Ala (NM_001322252.2); c.4136T>C, p.Val1379Ala (NM_001322254.2, NM_001322258.2); short protein forms V1379A, V1310A, V1416A, V1598A, V1560A.
Identifiers: ClinVar variation 643917 (VCV000643917.8), dbSNP rs1349105037, ClinGen allele CA377036434.